The following is an entry in ClinVar:

NM_000260.4(MYO7A):c.4821T>A (p.Tyr1607Ter)

Gene: MYO7A (myosin VIIA; plus strand). Cytogenetic location: 11q13.5.
Variant type: single nucleotide variant.
Coding change: c.4821T>A on transcript NM_000260.4 (MANE Select); coding-DNA position 4821, T replaced by A.
Protein change: p.Tyr1607Ter; replaces tyrosine 1607 with a stop codon.
Molecular consequence: nonsense.
Genome position (GRCh38, 1-based): chr11:77,199,787, T>A. VCF-style: chr11-77199787-T-A. GRCh37 (hg19) VCF-style: chr11-76910832-T-A.
Other names: c.4707T>A, p.Tyr1569Ter (NM_001127180.2); c.4674T>A, p.Tyr1558Ter (NM_001369365.1); short protein forms Y1607*, Y1558*, Y1569*.
Identifiers: ClinVar variation 43261 (VCV000043261.18), dbSNP rs397516315, ClinGen allele CA278674.
Genomic context (GRCh38, chr11:77,199,787, plus strand): 5'-TGAGGACATTCGTGACCTGGTGGTCACCTTCCTAGAGGGGCTCCGGAAGAGATCTAAGTA[T>A]GTTGTGGCCCTGCAGGATAACCCCAACCCCGGTGAGTGGCTGCTGGTATGGACTGCCTGG-3'

ClinVar aggregate classification (germline): Pathogenic/Likely pathogenic. Review status: criteria provided, multiple submitters, no conflicts (2 of 4 stars). 6 submissions from 6 submitters: Pathogenic (3); Likely pathogenic (2). 1 of the submissions does not count toward it. Last evaluated 2025-11-07.

Conditions:
MYO7A-related disorder. Also called: MYO7A-related disorders.
Usher syndrome. Also called: Usher Syndromes; Usher's syndrome. Identifiers: Orphanet 886, MedGen CN469326, MeSH D052245, MONDO:0019501. Disease mechanism: loss of function.
Autosomal recessive nonsyndromic hearing loss 2. Also called: DEAFNESS, AUTOSOMAL RECESSIVE 2; NEUROSENSORY NONSYNDROMIC RECESSIVE DEAFNESS 2. Identifiers: Orphanet 90636, MedGen C1838701, MONDO:0010807, OMIM 600060.
Usher syndrome type 1 (USH1). Also called: RETINITIS PIGMENTOSA AND CONGENITAL DEAFNESS. Identifiers: Orphanet 231169, Orphanet 886, MedGen C1568247, MONDO:0010168, OMIM 276900.
Rare genetic deafness. Identifiers: Orphanet 96210, MedGen C5680250.
Usher syndrome type 1B (USH1B). Also called: Usher syndrome type IB. Identifiers: MedGen C1848638, MONDO:0700087.

Allele frequency attached by ClinVar (database versions not stated): ExAC 0.00001; TOPMed 0.00001.
gnomAD v4.1: 1 of 1,605,338 alleles (0.000062%); highest among the groups gnomAD compares: African/African-American, 0.0013%; no homozygotes.

Submissions (6):

Natera, Inc.
Classification: Likely pathogenic for Usher syndrome type 1B. Last evaluated: 2025-11-07. Review status: criteria provided, single submitter. Criteria: Natera Variant Classification Schema (03/2026). Collection method: clinical testing. Allele origin: germline.
Comment: The c.4821T>A variant in MYO7A is a nonsense variant predicted to introduce a stop codon at amino acid 1607. This variant is expected to result in nonsense mediated decay, truncation, or a dysfunctional protein product. This variant is rare in the general population with a frequency below the threshold expected for the associated phenotype(s). Given the available evidence, this variant is classified as Likely Pathogenic.

Labcorp Genetics (formerly Invitae), Labcorp
Classification: Pathogenic. Last evaluated: 2025-04-23. Review status: criteria provided, single submitter. Criteria: Invitae Variant Classification Sherloc (09022015). Collection method: clinical testing. Allele origin: germline.
Comment: This sequence change creates a premature translational stop signal (p.Tyr1607*) in the MYO7A gene. It is expected to result in an absent or disrupted protein product. Loss-of-function variants in MYO7A are known to be pathogenic (PMID: 8900236, 25404053). This variant is present in population databases (rs397516315, gnomAD 0.007%). This variant has not been reported in the literature in individuals affected with MYO7A-related conditions. ClinVar contains an entry for this variant (Variation ID: 43261). Algorithms developed to predict the effect of sequence changes on RNA splicing suggest that this variant may disrupt the consensus splice site. For these reasons, this variant has been classified as Pathogenic.

Women's Health and Genetics/Laboratory Corporation of America, LabCorp
Classification: Pathogenic for Usher syndrome. Last evaluated: 2024-10-15. Review status: criteria provided, single submitter. Criteria: LabCorp Variant Classification Summary - May 2015. Collection method: clinical testing. Allele origin: germline.
Comment: Variant summary: MYO7A c.4821T>A (p.Tyr1607X) results in a premature termination codon, predicted to cause a truncation of the encoded protein or absence of the protein due to nonsense mediated decay, which are commonly known mechanisms for disease. The variant allele was found at a frequency of 4.1e-06 in 245924 control chromosomes. To our knowledge, no occurrence of c.4821T>A in individuals affected with Usher Syndrome and no experimental evidence demonstrating its impact on protein function have been reported. ClinVar contains an entry for this variant (Variation ID: 43261). Based on the evidence outlined above, the variant was classified as pathogenic.

Blueprint Genetics
Classification: Likely pathogenic for MYO7A-related disorders. Last evaluated: 2019-07-18. Review status: criteria provided, single submitter. Criteria: ACMG Guidelines, 2015. Collection method: clinical testing. Allele origin: germline. Affected: yes. Observed: 1 variant allele.

Laboratory for Molecular Medicine, Mass General Brigham Personalized Medicine
Classification: Pathogenic for Rare genetic deafness. Last evaluated: 2010-08-13. Review status: criteria provided, single submitter. Criteria: LMM Criteria. Collection method: clinical testing. Allele origin: germline. Observed: 1 variant allele.
Comment: The Tyr1607X variant in MYO7A has not been reported in the literature nor previo usly identified by our laboratory. However, this variant leads to a premature st op codon at codon 1607, which is predicted to lead to a truncated or absent prot ein. In summary, this variant meets our criteria to be classified as pathogenic.

Counsyl
Classification: Likely pathogenic for Usher syndrome type 1; Autosomal recessive nonsyndromic hearing loss 2. Last evaluated: 2017-11-09. Review status: no assertion criteria provided. Collection method: clinical testing. Allele origin: unknown. Not counted in ClinVar's aggregate classification.

Literature cited by the submitters: PubMed 8900236 (cited by Labcorp Genetics (formerly Invitae), Labcorp); PubMed 25404053 (cited by Labcorp Genetics (formerly Invitae), Labcorp).